The following is an entry in ClinVar:

ClinVar aggregate classification (germline): Uncertain significance (0 of 4 stars; one submission).

Conditions:
MYH6-related disorder. Also called: MYH6-Related Disorders; MYH6-related condition.

gnomAD v4.1: 2 of 1,614,236 alleles (0.00012%); highest among the groups gnomAD compares: South Asian, 0.0022%; no homozygotes.

Submission:

PreventionGenetics, part of Exact Sciences
Classification: Uncertain significance for MYH6-related condition. Last evaluated: 2024-08-30. Review status: no assertion criteria provided. Collection method: clinical testing. Allele origin: germline.
Comment: The MYH6 c.5341C>G variant is predicted to result in the amino acid substitution p.Leu1781Val. To our knowledge, this variant has not been reported in the literature or in a large population database, indicating this variant is rare. At this time, the clinical significance of this variant is uncertain due to the absence of conclusive functional and genetic evidence.

NM_002471.4(MYH6):c.5341C>G (p.Leu1781Val)

Gene: MYH6 (myosin heavy chain 6; minus strand). Cytogenetic location: 14q11.2.
Variant type: single nucleotide variant.
Coding change: c.5341C>G on transcript NM_002471.4 (MANE Select); coding-DNA position 5341, C replaced by G.
Protein change: p.Leu1781Val; replaces leucine 1781 with valine.
Molecular consequence: missense variant.
Genome position (GRCh38, 1-based): chr14:23,384,666, G>C on the plus strand (C>G on the coding strand, the complement: MYH6 is on the minus strand). VCF-style: chr14-23384666-G-C. GRCh37 (hg19) VCF-style: chr14-23853875-G-C.
Other names: short protein forms L1781V.
Identifiers: ClinVar variation 3345552 (VCV003345552.1).